The following is an entry in ClinVar:

NM_001164508.2(NEB):c.23628_23631del (p.Gln7876fs)

Genes: NEB (nebulin; minus strand), RIF1 (replication timing regulatory factor 1; plus strand). Cytogenetic location: 2q23.3.
Variant type: Microsatellite.
Coding change: c.23628_23631del on transcript NM_001164508.2 (MANE Select); coding-DNA positions 23628 to 23631, 4 bases deleted (AACA; older notation c.23628_23631delAACA).
Protein change: p.Gln7876fs; shifts the reading frame from glutamine 7876.
Molecular consequence: frameshift variant.
Genome position (GRCh38, 1-based): chr2:151,506,184-151,506,187, TGTT deleted on the plus strand (AACA on the coding strand, the reverse complement: NEB is on the minus strand); deleting any 4 consecutive bases within chr2:151,506,184-151,506,192 gives the same sequence; the c. name uses the placement nearest the transcript's 3' end. VCF-style (leftmost placement, unchanged base first): chr2-151506183-GTGTT-G. GRCh37 (hg19) VCF-style: chr2-152362697-GTGTT-G.
Other names: c.23628_23631del, p.Gln7876fs (NM_001164507.2); c.23733_23736del, p.Gln7911fs (NM_001271208.2); c.18525_18528del, p.Gln6175fs (NM_004543.5); short protein forms Q6175fs, Q7876fs, Q7911fs.
Identifiers: ClinVar variation 1339685 (VCV001339685.8), dbSNP rs1161478770, ClinGen allele CA537029907.

ClinVar aggregate classification (germline): Pathogenic/Likely pathogenic. Review status: criteria provided, multiple submitters, no conflicts (2 of 4 stars). 3 submissions from 3 submitters: Pathogenic (1); Likely pathogenic (2). Last evaluated 2024-03-31.

Conditions:
Nemaline myopathy. Also called: Myopathies, Nemaline. Identifiers: Orphanet 607, MedGen C0206157, MONDO:0018958.
Nemaline myopathy 2 (NEM2). Also called: Nemaline myopathy 2, autosomal recessive. Identifiers: MedGen C1850569, MONDO:0009725, OMIM 256030.

Submissions (3):

Natera, Inc.
Classification: Likely pathogenic for Nemaline myopathy type 2. Last evaluated: 2024-03-31. Review status: criteria provided, single submitter. Criteria: Natera Variant Classification Schema (03/2026). Collection method: clinical testing. Allele origin: germline.
Comment: The c.23733_23736delAACA variant in NEB is a frameshift variant predicted to shift the reading frame beginning at codon 7911 and leads to a stop codon 8 codons downstream. This variant is expected to result in nonsense mediated decay, truncation, or a dysfunctional protein product. This variant is rare in the general population with a frequency below the threshold expected for the associated phenotype(s). Given the available evidence, this variant is classified as Likely Pathogenic.

Women's Health and Genetics/Laboratory Corporation of America, LabCorp
Classification: Likely pathogenic for Nemaline myopathy. Last evaluated: 2022-01-12. Review status: criteria provided, single submitter. Criteria: LabCorp Variant Classification Summary - May 2015. Collection method: clinical testing. Allele origin: germline.
Comment: Variant summary: NEB c.23733_23736delAACA (p.Gln7911HisfsX8) results in a premature termination codon, predicted to cause a truncation of the encoded protein or absence of the protein due to nonsense mediated decay, which are commonly known mechanisms for disease. Truncations downstream of this position have been classified as pathogenic by our laboratory. The variant allele was found at a frequency of 3.2e-05 in 31404 control chromosomes (gnomAD). To our knowledge, no occurrence of c.23733_23736delAACA in individuals affected with Nemaline Myopathy 2 and no experimental evidence demonstrating its impact on protein function have been reported. No clinical diagnostic laboratories have submitted clinical-significance assessments for this variant to ClinVar after 2014. Based on the evidence outlined above, the variant was classified as likely pathogenic.

Labcorp Genetics (formerly Invitae), Labcorp
Classification: Pathogenic for Nemaline myopathy 2. Last evaluated: 2021-02-14. Review status: criteria provided, single submitter. Criteria: Invitae Variant Classification Sherloc (09022015). Collection method: clinical testing. Allele origin: germline.
Comment: For these reasons, this variant has been classified as Pathogenic. This variant has not been reported in the literature in individuals with NEB-related conditions. This variant is not present in population databases (ExAC no frequency). This sequence change creates a premature translational stop signal (p.Gln7911Hisfs*8) in the NEB gene. It is expected to result in an absent or disrupted protein product. Loss-of-function variants in NEB are known to be pathogenic (PMID: 25205138).

Literature cited by the submitters: PubMed 25205138 (cited by Labcorp Genetics (formerly Invitae), Labcorp).